The following is an entry in ClinVar:

ClinVar aggregate classification (germline): Uncertain significance (0 of 4 stars; one submission).

Conditions:
MED13-related disorder. Also called: MED13-related condition.

Submission:

PreventionGenetics, part of Exact Sciences
Classification: Uncertain significance for MED13-related condition. Last evaluated: 2024-09-10. Review status: no assertion criteria provided. Collection method: clinical testing. Allele origin: germline.
Comment: The MED13 c.634G>A variant is predicted to result in the amino acid substitution p.Gly212Arg. To our knowledge, this variant has not been reported in the literature or in a large population database, indicating this variant is rare. At this time, the clinical significance of this variant is uncertain due to the absence of conclusive functional and genetic evidence.

NM_005121.3(MED13):c.634G>A (p.Gly212Arg)

Gene: MED13 (mediator complex subunit 13; minus strand). Cytogenetic location: 17q23.2.
Variant type: single nucleotide variant.
Coding change: c.634G>A on transcript NM_005121.3 (MANE Select); coding-DNA position 634, G replaced by A.
Protein change: p.Gly212Arg; replaces glycine 212 with arginine.
Molecular consequence: missense variant.
Genome position (GRCh38, 1-based): chr17:62,033,967, C>T on the plus strand (G>A on the coding strand, the complement: MED13 is on the minus strand). VCF-style: chr17-62033967-C-T. GRCh37 (hg19) VCF-style: chr17-60111328-C-T.
Other names: short protein forms G212R.
Identifiers: ClinVar variation 3357678 (VCV003357678.1).